The following is an entry in ClinVar:

NM_001267550.2(TTN):c.64243del (p.Trp21415fs)

Genes: TTN (titin; minus strand), TTN-AS1 (TTN antisense RNA 1; plus strand). Cytogenetic location: 2q31.2.
Variant type: Deletion.
Coding change: c.64243del on transcript NM_001267550.2 (MANE Select); coding-DNA position 64243, one base deleted (T; older notation c.64243delT).
Protein change: p.Trp21415fs; shifts the reading frame from tryptophan 21415.
Molecular consequence: frameshift variant.
Genome position (GRCh38, 1-based): chr2:178,586,658, A deleted on the plus strand (T on the coding strand, the reverse complement: TTN is on the minus strand). VCF-style (leftmost placement, unchanged base first): chr2-178586657-CA-C. GRCh37 (hg19) VCF-style: chr2-179451384-CA-C.
Other names: c.59320del, p.Trp19774fs (NM_001256850.1); c.37048del, p.Trp12350fs (NM_003319.4); c.56539del, p.Trp18847fs (NM_133378.4); c.37423del, p.Trp12475fs (NM_133432.3); c.37624del, p.Trp12542fs (NM_133437.4); c.37048delT (NM_003319.4); short protein forms W12350fs, W18847fs, W21415fs, W19774fs, W12475fs, W12542fs.
Identifiers: ClinVar variation 2586557 (VCV002586557.2), dbSNP rs2469245062, ClinGen allele CA2582342043.

ClinVar aggregate classification (germline): Likely pathogenic (1 of 4 stars; one submission).

Conditions:
Cardiovascular phenotype. Identifiers: MedGen CN230736.

Submission:

Ambry Genetics
Classification: Likely pathogenic for Cardiovascular phenotype. Last evaluated: 2023-08-17. Review status: criteria provided, single submitter. Criteria: Ambry Variant Classification Scheme 2023. Collection method: clinical testing. Allele origin: germline.
Comment: The c.37048delT variant, located in coding exon 135 of the TTN gene, results from a deletion of one nucleotide at nucleotide position 37048, causing a translational frameshift with a predicted alternate stop codon (p.W12350Gfs*7). This exon is located in the A-band region of the N2-B isoform of the titin protein and is constitutively expressed in TTN transcripts (percent spliced in or PSI 100%). This variant is considered to be rare based on population cohorts in the Genome Aggregation Database (gnomAD). This alteration is expected to result in loss of function by premature protein truncation or nonsense-mediated mRNA decay. While truncating variants in TTN are present in 1-3% of the general population, truncating variants in the A-band are the most common cause of dilated cardiomyopathy (DCM) (Herman DS et al. N. Engl. J. Med., 2012 Feb;366:619-28; Roberts AM et al. Sci Transl Med, 2015 Jan;7:270ra6). TTN truncating variants encoded in constitutive exons (PSI >90%) have been found to be significantly associated with DCM regardless of their position in titin (Schafer S et al. Nat. Genet., 2017 01;49:46-53). Based on the majority of available evidence to date, this variant is likely to be pathogenic.